The following is an entry in ClinVar:

NM_182961.4(SYNE1):c.26352C>A (p.Phe8784Leu)

Genes: ESR1 (estrogen receptor 1; plus strand), SYNE1 (spectrin repeat containing nuclear envelope protein 1; minus strand). Cytogenetic location: 6q25.2.
Variant type: single nucleotide variant.
Coding change: c.26352C>A on transcript NM_182961.4 (MANE Select); coding-DNA position 26352, C replaced by A.
Protein change: p.Phe8784Leu; replaces phenylalanine 8784 with leucine.
Molecular consequence: missense variant. On other transcripts: 3 prime UTR variant (1), intron variant (1).
Genome position (GRCh38, 1-based): chr6:152,122,478, G>T on the plus strand (C>A on the coding strand, the complement: SYNE1 is on the minus strand). VCF-style: chr6-152122478-G-T. GRCh37 (hg19) VCF-style: chr6-152443613-G-T.
Other names: c.*163C>A (NM_001347701.2); c.2886C>A, p.Phe962Leu (NM_001347702.2); c.26208C>A, p.Phe8736Leu (NM_033071.5); c.851-2788G>T (NM_001328100.2); short protein forms F962L, F8736L, F8784L.
Identifiers: ClinVar variation 1415617 (VCV001415617.7), dbSNP rs2051624339, ClinGen allele CA366088545.

ClinVar aggregate classification (germline): Uncertain significance (1 of 4 stars; one submission).

Conditions:
Emery-Dreifuss muscular dystrophy 4, autosomal dominant (EDMD4). Also called: EMERY-DREIFUSS MUSCULAR DYSTROPHY 4 WITH VARIABLE FEATURES. Identifiers: Orphanet 261, MedGen C2751807, MONDO:0013071, OMIM 612998.
Autosomal recessive ataxia, Beauce type. Also called: Spinocerebellar ataxia, autosomal recessive 8; ATAXIA, RECESSIVE, OF BEAUCE; SYNE1-Related Autosomal Recessive Cerebellar Ataxia; SYNE1 Deficiency. Identifiers: Orphanet 88644, MedGen C1853116, MONDO:0012549, OMIM 610743.

Allele frequency attached by ClinVar (database versions not stated): TOPMed below 0.00001; gnomAD exomes 0.00001.
gnomAD v4.1: 3 of 1,614,180 alleles (0.00019%); highest among the groups gnomAD compares: Non-Finnish European, 0.00025%; no homozygotes.

Submission:

Labcorp Genetics (formerly Invitae), Labcorp
Classification: Uncertain significance for Emery-Dreifuss muscular dystrophy 4, autosomal dominant; Autosomal recessive ataxia, Beauce type. Last evaluated: 2021-10-19. Review status: criteria provided, single submitter. Criteria: Invitae Variant Classification Sherloc (09022015). Collection method: clinical testing. Allele origin: germline.
Comment: In summary, the available evidence is currently insufficient to determine the role of this variant in disease. Therefore, it has been classified as a Variant of Uncertain Significance. Algorithms developed to predict the effect of missense changes on protein structure and function are either unavailable or do not agree on the potential impact of this missense change (SIFT: "Deleterious"; PolyPhen-2: "Probably Damaging"; Align-GVGD: "Class C0"). This variant has not been reported in the literature in individuals affected with SYNE1-related conditions. This variant is not present in population databases (gnomAD no frequency). This sequence change replaces phenylalanine, which is neutral and non-polar, with leucine, which is neutral and non-polar, at codon 8736 of the SYNE1 protein (p.Phe8736Leu).